The following is an entry in ClinVar:

ClinVar aggregate classification (germline): Uncertain significance (1 of 4 stars; one submission).

Conditions:
Dyskeratosis congenita. Identifiers: Orphanet 1775, MedGen C0265965, MONDO:0015780.

Submission:

Labcorp Genetics (formerly Invitae), Labcorp
Classification: Uncertain significance for Dyskeratosis congenita. Last evaluated: 2021-01-15. Review status: criteria provided, single submitter. Criteria: Invitae Variant Classification Sherloc (09022015). Collection method: clinical testing. Allele origin: germline.
Comment: In summary, the available evidence is currently insufficient to determine the role of this variant in disease. Therefore, it has been classified as a Variant of Uncertain Significance. Algorithms developed to predict the effect of missense changes on protein structure and function output the following: SIFT: "Tolerated"; PolyPhen-2: "Benign"; Align-GVGD: "Class C0". The asparagine amino acid residue is found in multiple mammalian species, suggesting that this missense change does not adversely affect protein function. These predictions have not been confirmed by published functional studies and their clinical significance is uncertain. This variant has not been reported in the literature in individuals with CTC1-related conditions. This variant is not present in population databases (ExAC no frequency). This sequence change replaces serine with asparagine at codon 753 of the CTC1 protein (p.Ser753Asn). The serine residue is highly conserved and there is a small physicochemical difference between serine and asparagine.

NM_025099.6(CTC1):c.2258G>A (p.Ser753Asn)

Gene: CTC1 (CST telomere replication complex component 1; minus strand). Cytogenetic location: 17p13.1.
Variant type: single nucleotide variant.
Coding change: c.2258G>A on transcript NM_025099.6 (MANE Select); coding-DNA position 2258, G replaced by A.
Protein change: p.Ser753Asn; replaces serine 753 with asparagine.
Molecular consequence: missense variant. On other transcripts: non-coding transcript variant (1).
Genome position (GRCh38, 1-based): chr17:8,232,030, C>T on the plus strand (G>A on the coding strand, the complement: CTC1 is on the minus strand). VCF-style: chr17-8232030-C-T. GRCh37 (hg19) VCF-style: chr17-8135348-C-T.
Other names: short protein forms S753N.
Identifiers: ClinVar variation 1010668 (VCV001010668.8), dbSNP rs1987279014, ClinGen allele CA397977936.
Genomic context (GRCh38, chr17:8,232,030, plus strand): 5'-GTGCCCCCAAGCCAGCTCCCCAACACATAGAAACTGAGGGCGGGCTTGGGCACCTCTGGA[C>T]TTGCTCCTGGGGGGACACAAAAATTACGCTTCATGAGGGCCTCCTTGTGGCAGAGCAAGA-3'
Protein context (NP_079375.3, residues 743-763): KRNFCVPPGA[Ser753Asn]PEVPKPALSF